The following is an entry in ClinVar:

NM_001378454.1(ALMS1):c.6683_6684del (p.Asp2228fs)

Gene: ALMS1 (ALMS1 centrosome and basal body associated protein; plus strand). Cytogenetic location: 2p13.1.
Variant type: Deletion.
Coding change: c.6683_6684del on transcript NM_001378454.1 (MANE Select); coding-DNA positions 6683 to 6684, 2 bases deleted (AT; older notation c.6683_6684delAT).
Protein change: p.Asp2228fs; shifts the reading frame from aspartic acid 2228.
Molecular consequence: frameshift variant.
Genome position (GRCh38, 1-based): chr2:73,453,210-73,453,211, AT deleted. VCF-style (leftmost placement, unchanged base first): chr2-73453209-GAT-G. GRCh37 (hg19) VCF-style: chr2-73680336-GAT-G.
Other names: c.6686_6687del, p.Asp2229fs (NM_015120.4); short protein forms D2228fs, D2229fs.
Identifiers: ClinVar variation 1456493 (VCV001456493.6), dbSNP rs2103791069, ClinGen allele CA2573135782.
Genomic context (GRCh38, chr2:73,453,209, plus strand): 5'-AATTTGAATTCTTCTGACTCCAGTGTTAGCTCAAATAATGTGCTTTTAAATTCTCAGGCT[GAT>G]GACAGAGTTGTAATAAATAAACCAGAATCTGCAGGTTTTAGAGATGTTGGCTCTGAAGAA-3'

ClinVar aggregate classification (germline): Pathogenic (1 of 4 stars; one submission).

Conditions:
Alstrom syndrome (ALMS). Identifiers: Orphanet 64, MedGen C0268425, MONDO:0008763, OMIM 203800.

Submission:

Labcorp Genetics (formerly Invitae), Labcorp
Classification: Pathogenic for Alstrom syndrome. Last evaluated: 2023-12-30. Review status: criteria provided, single submitter. Criteria: Invitae Variant Classification Sherloc (09022015). Collection method: clinical testing. Allele origin: germline.
Comment: This sequence change creates a premature translational stop signal (p.Asp2229Glyfs*7) in the ALMS1 gene. It is expected to result in an absent or disrupted protein product. Loss-of-function variants in ALMS1 are known to be pathogenic (PMID: 17594715). This variant is not present in population databases (gnomAD no frequency). This variant has not been reported in the literature in individuals affected with ALMS1-related conditions. ClinVar contains an entry for this variant (Variation ID: 1456493). For these reasons, this variant has been classified as Pathogenic.

Literature cited by the submitters: PubMed 17594715.